The following is an entry in ClinVar:

NM_004415.4(DSP):c.887A>C (p.Tyr296Ser)

Gene: DSP (desmoplakin; plus strand). Cytogenetic location: 6p24.3.
Variant type: single nucleotide variant.
Coding change: c.887A>C on transcript NM_004415.4 (MANE Select); coding-DNA position 887, A replaced by C.
Protein change: p.Tyr296Ser; replaces tyrosine 296 with serine.
Molecular consequence: missense variant.
Genome position (GRCh38, 1-based): chr6:7,565,468, A>C. VCF-style: chr6-7565468-A-C. GRCh37 (hg19) VCF-style: chr6-7565701-A-C.
Other names: c.887A>C, p.Tyr296Ser (NM_001008844.3, NM_001319034.2, NM_001406591.1); short protein forms Y296S.
Identifiers: ClinVar variation 3074445 (VCV003074445.1), dbSNP rs2533872643, ClinGen allele CA362674515.

ClinVar aggregate classification (germline): Uncertain significance (1 of 4 stars; one submission).

Conditions:
Arrhythmogenic cardiomyopathy with wooly hair and keratoderma. Also called: PALMOPLANTAR KERATODERMA WITH LEFT VENTRICULAR CARDIOMYOPATHY AND WOOLLY HAIR; Carvajal syndrome; Dilated cardiomyopathy with woolly hair and keratoderma; Arrhythmogenic cardiomyopathy with woolly hair and keratoderma. Identifiers: Orphanet 65282, MedGen C1854063, MONDO:0011581, OMIM 605676.

Submission:

All of Us Research Program, National Institutes of Health
Classification: Uncertain significance for Arrhythmogenic cardiomyopathy with wooly hair and keratoderma. Last evaluated: 2023-11-20. Review status: criteria provided, single submitter. Criteria: ACMG Guidelines, 2015. Collection method: clinical testing. Allele origin: germline. Inheritance: Autosomal dominant inheritance. Observed: 1 variant allele, 1 heterozygote.
Comment: This missense variant replaces tyrosine with serine at codon 296 of the DSP protein. Computational prediction is inconclusive regarding the impact of this variant on protein structure and function (internally defined REVEL score threshold 0.5 < inconclusive < 0.7, PMID: 27666373). To our knowledge, functional studies have not been reported for this variant. This variant has not been reported in individuals affected with DSP-related disorders in the literature. This variant has not been identified in the general population by the Genome Aggregation Database (gnomAD). The available evidence is insufficient to determine the role of this variant in disease conclusively. Therefore, this variant is classified as a Variant of Uncertain Significance.

This study involves interpretation of variants in research participants for the purpose of population health screening. Participant phenotype was not available at the time of variant classification. Additional details can be found in publication PMID: 35346344, PMCID: PMC8962531